The following is an entry in ClinVar:

ClinVar aggregate classification (germline): Uncertain significance (1 of 4 stars; one submission).

Conditions:
Charcot-Marie-Tooth disease type 2E (CMT2E). Also called: CHARCOT-MARIE-TOOTH DISEASE, AXONAL, TYPE 2E; CHARCOT-MARIE-TOOTH NEUROPATHY, TYPE 2E. Identifiers: Orphanet 99939, MedGen C1843225, MONDO:0011894, OMIM 607684.

Submission:

Labcorp Genetics (formerly Invitae), Labcorp
Classification: Uncertain significance for Charcot-Marie-Tooth disease type 2E. Last evaluated: 2021-02-02. Review status: criteria provided, single submitter. Criteria: Invitae Variant Classification Sherloc (09022015). Collection method: clinical testing. Allele origin: germline.
Comment: This sequence change falls in intron 2 of the NEFL gene. It does not directly change the encoded amino acid sequence of the NEFL protein. It affects a nucleotide within the consensus splice site of the intron. This variant is not present in population databases (ExAC no frequency). This variant has not been reported in the literature in individuals with NEFL-related conditions. Nucleotide substitutions within the consensus splice site are a relatively common cause of aberrant splicing (PMID: 17576681, 9536098). Experimental studies and prediction algorithms are not available or were not evaluated, and the effect of this variant on mRNA splicing is currently unknown. In summary, the available evidence is currently insufficient to determine the role of this variant in disease. Therefore, it has been classified as a Variant of Uncertain Significance.

Literature cited by the submitters: PubMed 17576681; PubMed 9536098.

NM_006158.5(NEFL):c.1170-3C>T

Genes: MIR6841 (microRNA 6841; minus strand), NEFL (neurofilament light chain; minus strand). Cytogenetic location: 8p21.2.
Variant type: single nucleotide variant.
Coding change: c.1170-3C>T on transcript NM_006158.5 (MANE Select); 3 bases into the intron before coding-DNA position 1170, C replaced by T.
Molecular consequence: intron variant. On other transcripts: non-coding transcript variant (1).
Genome position (GRCh38, 1-based): chr8:24,953,798, G>A on the plus strand (C>T on the coding strand, the complement: NEFL is on the minus strand). VCF-style: chr8-24953798-G-A. GRCh37 (hg19) VCF-style: chr8-24811312-G-A.
Identifiers: ClinVar variation 1368810 (VCV001368810.1), dbSNP rs2117251902, ClinGen allele CA2573142643.
Genomic context (GRCh38, chr8:24,953,798, plus strand): 5'-GGTTATGCTTCCCACGCTGGTGAAACTGAGTCGGGTCTCCTCGCCTTCCAAGAGTTTCCT[G>A]GGGATGCAGATGCAAGGTGAGGTTAAAAAACACCTGTGTTTCACAACTTGCTCTGAGTAC-3'